The following is an entry in ClinVar:

ClinVar aggregate classification (germline): Pathogenic (1 of 4 stars; one submission).

Submission:

CeGaT Center for Human Genetics Tuebingen
Classification: Pathogenic. Last evaluated: 2022-07-01. Review status: criteria provided, single submitter. Criteria: CeGaT Center For Human Genetics Tuebingen Variant Classification Criteria Version 2. Collection method: clinical testing. Allele origin: germline. Affected: yes. Observed: 1 variant allele.
Comment: SHANK3: PVS1, PM2

NM_001372044.2(SHANK3):c.2838C>A (p.Tyr946Ter)

Gene: SHANK3 (SH3 and multiple ankyrin repeat domains 3; plus strand). Cytogenetic location: 22q13.33.
Variant type: single nucleotide variant.
Coding change: c.2838C>A on transcript NM_001372044.2 (MANE Select); coding-DNA position 2838, C replaced by A.
Protein change: p.Tyr946Ter; replaces tyrosine 946 with a stop codon.
Molecular consequence: nonsense.
Genome position (GRCh38, 1-based): chr22:50,720,446, C>A. VCF-style: chr22-50720446-C-A. GRCh37 (hg19) VCF-style: chr22-51158874-C-A.
Other names: short protein forms Y946*.
Identifiers: ClinVar variation 1701444 (VCV001701444.31), dbSNP rs1001153999, ClinGen allele CA515259290.
Genomic context (GRCh38, chr22:50,720,446, plus strand): 5'-GCGCTCCAGCTTCAAGCCCGGCCTGGAGGCGCGCCTGGGCGCGGGCGCTGCCGGCCTGTA[C>A]GAGCCGGGCGCGGCCCTCGGCCCGCTGCCGTATCCCGAGCGGCAGAAGCGCGCGCGCTCC-3'